The following is an entry in ClinVar:

NM_001563.4(IMPG1):c.722C>G (p.Ser241Cys)

Gene: IMPG1 (interphotoreceptor matrix proteoglycan 1; minus strand). Cytogenetic location: 6q14.1.
Variant type: single nucleotide variant.
Coding change: c.722C>G on transcript NM_001563.4 (MANE Select); coding-DNA position 722, C replaced by G.
Protein change: p.Ser241Cys; replaces serine 241 with cysteine.
Molecular consequence: missense variant.
Genome position (GRCh38, 1-based): chr6:76,018,803, G>C on the plus strand (C>G on the coding strand, the complement: IMPG1 is on the minus strand). VCF-style: chr6-76018803-G-C. GRCh37 (hg19) VCF-style: chr6-76728520-G-C.
Other names: c.488C>G, p.Ser163Cys (NM_001282368.2); short protein forms S163C, S241C.
Identifiers: ClinVar variation 1495662 (VCV001495662.8), dbSNP rs200029022, ClinGen allele CA3898353.

ClinVar aggregate classification (germline): Uncertain significance (1 of 4 stars; one submission).

Allele frequency attached by ClinVar (database versions not stated): gnomAD exomes below 0.00001; ExAC 0.00001; gnomAD 0.00001; 1000 Genomes Project 30x 0.00016; 1000 Genomes Project 0.00020.
gnomAD v4.1: 2 of 1,612,546 alleles (0.00012%); highest among the groups gnomAD compares: Non-Finnish European, 0.00017%; no homozygotes.

Submission:

Labcorp Genetics (formerly Invitae), Labcorp
Classification: Uncertain significance. Last evaluated: 2024-12-04. Review status: criteria provided, single submitter. Criteria: Invitae Variant Classification Sherloc (09022015). Collection method: clinical testing. Allele origin: germline.
Comment: This sequence change replaces serine, which is neutral and polar, with cysteine, which is neutral and slightly polar, at codon 241 of the IMPG1 protein (p.Ser241Cys). This variant is present in population databases (rs200029022, gnomAD 0.0009%). This variant has not been reported in the literature in individuals affected with IMPG1-related conditions. ClinVar contains an entry for this variant (Variation ID: 1495662). An algorithm developed to predict the effect of missense changes on protein structure and function (PolyPhen-2) suggests that this variant is likely to be disruptive. In summary, the available evidence is currently insufficient to determine the role of this variant in disease. Therefore, it has been classified as a Variant of Uncertain Significance.